The following is an entry in ClinVar:

NM_013444.4(UBQLN2):c.1423A>G (p.Ser475Gly)

Gene: UBQLN2 (ubiquilin 2; plus strand). Cytogenetic location: Xp11.21.
Variant type: single nucleotide variant.
Coding change: c.1423A>G on transcript NM_013444.4 (MANE Select); coding-DNA position 1423, A replaced by G.
Protein change: p.Ser475Gly; replaces serine 475 with glycine.
Molecular consequence: missense variant.
Genome position (GRCh38, 1-based): chrX:56,565,296, A>G. VCF-style: chrX-56565296-A-G. GRCh37 (hg19) VCF-style: chrX-56591729-A-G.
Other names: short protein forms S475G.
Identifiers: ClinVar variation 4741340 (VCV004741340.1).
Genomic context (GRCh38, chrX:56,565,296, plus strand): 5'-TTAATGCAGATCCAGCAGGGGCTACAGACATTAGCCACTGAAGCACCTGGCCTGATTCCG[A>G]GCTTCACTCCAGGTGTGGGGGTGGGGGTGCTGGGAACCGCTATAGGCCCTGTAGGCCCAG-3'
Protein context (NP_038472.2, residues 465-485): LATEAPGLIP[Ser475Gly]FTPGVGVGVL

ClinVar aggregate classification (germline): Uncertain significance (1 of 4 stars; one submission).

Conditions:
Amyotrophic lateral sclerosis type 15. Also called: AMYOTROPHIC LATERAL SCLEROSIS 15 WITH FRONTOTEMPORAL DEMENTIA. Identifiers: Orphanet 803, MedGen C3275459, MONDO:0010459, OMIM 300857.

Submission:

Labcorp Genetics (formerly Invitae), Labcorp
Classification: Uncertain significance for Amyotrophic lateral sclerosis type 15. Last evaluated: 2025-05-01. Review status: criteria provided, single submitter. Criteria: Invitae Variant Classification Sherloc (09022015). Collection method: clinical testing. Allele origin: germline.
Comment: This sequence change replaces serine, which is neutral and polar, with glycine, which is neutral and non-polar, at codon 475 of the UBQLN2 protein (p.Ser475Gly). This variant is not present in population databases (gnomAD no frequency). This variant has not been reported in the literature in individuals affected with UBQLN2-related conditions. Invitae Evidence Modeling of protein sequence and biophysical properties (such as structural, functional, and spatial information, amino acid conservation, physicochemical variation, residue mobility, and thermodynamic stability) indicates that this missense variant is not expected to disrupt UBQLN2 protein function with a negative predictive value of 80%. In summary, the available evidence is currently insufficient to determine the role of this variant in disease. Therefore, it has been classified as a Variant of Uncertain Significance.